The following is an entry in ClinVar:

ClinVar aggregate classification (germline): Uncertain significance (1 of 4 stars; one submission).

Conditions:
Hereditary cancer-predisposing syndrome. Also called: Neoplastic Syndromes, Hereditary; Tumor predisposition; Hereditary neoplastic syndrome; Hereditary Cancer Syndrome. Identifiers: Orphanet 140162, MedGen C0027672, MeSH D009386, MONDO:0015356.

Submission:

Ambry Genetics
Classification: Uncertain significance for Hereditary cancer-predisposing syndrome. Last evaluated: 2026-07-06. Review status: criteria provided, single submitter. Criteria: Ambry Variant Classification Scheme 2023. Collection method: clinical testing. Allele origin: germline.
Comment: The p.G228W variant (also known as c.682G>T), located in coding exon 3 of the PHOX2B gene, results from a G to T substitution at nucleotide position 682. The glycine at codon 228 is replaced by tryptophan, an amino acid with highly dissimilar properties. This amino acid position is conserved. In addition, the in silico prediction for this alteration is inconclusive. Based on the available evidence, the clinical significance of this variant remains unclear.

NM_003924.4(PHOX2B):c.682G>T (p.Gly228Trp)

Gene: PHOX2B (paired like homeobox 2B; minus strand). Cytogenetic location: 4p13.
Variant type: single nucleotide variant.
Coding change: c.682G>T on transcript NM_003924.4 (MANE Select); coding-DNA position 682, G replaced by T.
Protein change: p.Gly228Trp; replaces glycine 228 with tryptophan.
Molecular consequence: missense variant.
Genome position (GRCh38, 1-based): chr4:41,746,070, C>A on the plus strand (G>T on the coding strand, the complement: PHOX2B is on the minus strand). VCF-style: chr4-41746070-C-A. GRCh37 (hg19) VCF-style: chr4-41748087-C-A.
Other names: short protein forms G228W.
Identifiers: ClinVar variation 5026546 (VCV005026546.1).